The following is an entry in ClinVar:

ClinVar aggregate classification (germline): Pathogenic. Review status: reviewed by expert panel (3 of 4 stars). 3 submissions from 3 submitters: Pathogenic (1). 2 of the submissions do not count toward it. Last evaluated 2016-10-18.

Conditions:
Breast-ovarian cancer, familial, susceptibility to, 1 (BROVCA1). Also called: BRCA1 Hereditary Breast and Ovarian Cancer; OVARIAN CANCER, SUSCEPTIBILITY TO. Identifiers: Orphanet 145, MedGen C2676676, MONDO:0011450, OMIM 604370. Disease mechanism: loss of function.

Submissions (3):

Evidence-based Network for the Interpretation of Germline Mutant Alleles (ENIGMA)
Classification: Pathogenic for Breast-ovarian cancer, familial, susceptibility to, 1. Last evaluated: 2016-10-18. Review status: reviewed by expert panel. Criteria: ENIGMA BRCA1/2 Classification Criteria (2015). Collection method: curation. Allele origin: germline.
Comment: Variant allele predicted to encode a truncated non-functional protein.

Institute for Clinical Genetics, University Hospital TU Dresden, University Hospital TU Dresden
Classification: Pathogenic. Last evaluated: 2021-11-03. Review status: criteria provided, single submitter. Criteria: ACMG Guidelines, 2015. Collection method: clinical testing. Allele origin: germline. Not counted in ClinVar's aggregate classification.

Consortium of Investigators of Modifiers of BRCA1/2 (CIMBA), c/o University of Cambridge
Classification: Pathogenic for Breast-ovarian cancer, familial, susceptibility to, 1. Last evaluated: 2015-10-02. Review status: criteria provided, single submitter. Criteria: CIMBA Mutation Classification guidelines May 2016. Collection method: clinical testing. Allele origin: germline. Not counted in ClinVar's aggregate classification.

NM_007294.4(BRCA1):c.3961del (p.Ser1321fs)

Genes: BRCA1 (BRCA1 DNA repair associated; minus strand), LOC126862571 (BRD4-independent group 4 enhancer GRCh37_chr17:41243136-41244335; plus strand). Cytogenetic location: 17q21.31.
Variant type: Deletion.
Coding change: c.3961del on transcript NM_007294.4 (MANE Select); coding-DNA position 3961, one base deleted (T; older notation c.3961delT).
Protein change: p.Ser1321fs; shifts the reading frame from serine 1321.
Molecular consequence: frameshift variant. On other transcripts: intron variant (135).
Genome position (GRCh38, 1-based): chr17:43,091,570, A deleted on the plus strand (T on the coding strand, the reverse complement: BRCA1 is on the minus strand); the first of 2 consecutive A bases (chr17:43,091,570-43,091,571); deleting either gives the same sequence. VCF-style (leftmost placement, unchanged base first): chr17-43091569-GA-G. GRCh37 (hg19) VCF-style: chr17-41243586-GA-G.
Other names: 4080delT; c.647-538del (NM_001408467.1, NM_001408459.1, NM_001408455.1 and 11 more transcripts); c.584-538del (NM_001408475.1); c.710-538del (NM_001408412.1, NM_001408409.1, NM_001408414.1 and 2 more transcripts); c.452-538del (NM_001408509.1, NM_001408508.1); c.575-538del (NM_001408491.1, NM_001408493.1, NM_001408490.1); c.461-538del (NM_001408506.1, NM_001408507.1); c.578-538del (NM_001408481.1, NM_001408480.1, NM_001408492.1 and 9 more transcripts); and 43 more; short protein forms S1274fs, S1321fs, S1250fs, S1251fs, S1254fs, S1279fs, S1318fs, S1153fs.
Identifiers: ClinVar variation 266422 (VCV000266422.9), dbSNP rs886040180, ClinGen allele CA10589709.